The following is an entry in ClinVar:

ClinVar aggregate classification (germline): Uncertain significance. Review status: criteria provided, multiple submitters, no conflicts (2 of 4 stars). 3 submissions from 3 submitters: Uncertain significance (3). Last evaluated 2023-09-11.

Conditions:
Inborn genetic diseases. Identifiers: MedGen C0950123, MeSH D030342.
Charcot-Marie-Tooth disease axonal type 2Z. Also called: CHARCOT-MARIE-TOOTH DISEASE, AXONAL, AUTOSOMAL DOMINANT, TYPE 2Z; CHARCOT-MARIE-TOOTH NEUROPATHY, TYPE 2Z. Identifiers: Orphanet 466768, MedGen C5569025, MONDO:0014736, OMIM 616688.

Allele frequency attached by ClinVar (database versions not stated): gnomAD exomes below 0.00001.
gnomAD v4.1: 1 of 1,551,118 alleles (0.000064%); highest among the groups gnomAD compares: Non-Finnish European, 0.000087%; no homozygotes.

Submissions (3):

Labcorp Genetics (formerly Invitae), Labcorp
Classification: Uncertain significance for Charcot-Marie-Tooth disease axonal type 2Z. Last evaluated: 2023-09-11. Review status: criteria provided, single submitter. Criteria: Invitae Variant Classification Sherloc (09022015). Collection method: clinical testing. Allele origin: germline.
Comment: This sequence change falls in intron 1 of the MORC2 gene. It does not directly change the encoded amino acid sequence of the MORC2 protein. It affects a nucleotide within the consensus splice site. In summary, the available evidence is currently insufficient to determine the role of this variant in disease. Therefore, it has been classified as a Variant of Uncertain Significance. Variants that disrupt the consensus splice site are a relatively common cause of aberrant splicing (PMID: 17576681, 9536098). Algorithms developed to predict the effect of sequence changes on RNA splicing suggest that this variant may disrupt the consensus splice site. ClinVar contains an entry for this variant (Variation ID: 1755527). This variant has not been reported in the literature in individuals affected with MORC2-related conditions. This variant is not present in population databases (gnomAD no frequency).

GeneDx
Classification: Uncertain significance. Last evaluated: 2023-07-19. Review status: criteria provided, single submitter. Criteria: GeneDx Variant Classification Process June 2021. Collection method: clinical testing. Allele origin: germline. Affected: yes.
Comment: Not observed at significant frequency in large population cohorts (gnomAD); In silico analysis supports a deleterious effect on splicing; Has not been previously published as pathogenic or benign to our knowledge

Ambry Genetics
Classification: Uncertain significance for Inborn genetic diseases. Last evaluated: 2020-03-23. Review status: criteria provided, single submitter. Criteria: Ambry Variant Classification Scheme 2023. Collection method: clinical testing. Allele origin: germline.
Comment: The c.68+4A>C intronic variant results from an A to C substitution 4 nucleotides after coding exon 1 in the MORC2 gene. This nucleotide position is highly conserved in available vertebrate species. Using the BDGP and ESEfinder splice site prediction tools, this alteration is predicted to weaken the efficiency of the native splice donor site; however, direct evidence is unavailable. Since supporting evidence is limited at this time, the clinical significance of this alteration remains unclear.

Literature cited by the submitters: PubMed 17576681 (cited by Labcorp Genetics (formerly Invitae), Labcorp); PubMed 9536098 (cited by Labcorp Genetics (formerly Invitae), Labcorp).

NM_001303256.3(MORC2):c.68+4A>C

Gene: MORC2 (MORC family CW-type zinc finger 2; minus strand). Cytogenetic location: 22q12.2.
Variant type: single nucleotide variant.
Coding change: c.68+4A>C on transcript NM_001303256.3 (MANE Select); 4 bases into the intron after coding-DNA position 68, A replaced by C.
Molecular consequence: intron variant. On other transcripts: 5 prime UTR variant (1).
Genome position (GRCh38, 1-based): chr22:30,967,818, T>G on the plus strand (A>C on the coding strand, the complement: MORC2 is on the minus strand). VCF-style: chr22-30967818-T-G. GRCh37 (hg19) VCF-style: chr22-31363804-T-G.
Other names: c.-981A>C (NM_014941.3); c.68+4A>C (NM_001303257.2).
Identifiers: ClinVar variation 1755527 (VCV001755527.6), dbSNP rs2517665908, ClinGen allele CA2580099567.
Genomic context (GRCh38, chr22:30,967,818, plus strand): 5'-GATTTCCATATAATATCAAGGAACGAGTTACTGGTTACCTCAGTGGCACCTAGAGGATAC[T>G]TACGAATTTGTGTGCAGATATTCAAAGGTTAGCTGAGCTCGATTCAGACTGCTGTAATTT-3'